The following is an entry in ClinVar:

ClinVar aggregate classification (germline): Benign. Review status: criteria provided, multiple submitters, no conflicts (2 of 4 stars). 3 submissions from 3 submitters: Benign (3). Last evaluated 2021-06-10.

Conditions:
Disorder of bone. Also called: Bone disorder; Bone disease; Rare bone disease related to a common gene or pathway defect. Identifiers: Orphanet 364803, MedGen C0005940, MONDO:0005381.

Allele frequency attached by ClinVar (database versions not stated): gnomAD exomes 0.00223 and 0.00646; ExAC 0.00812; gnomAD 0.02576 and 0.02751; TOPMed 0.02866; ESP Exome Variant Server 0.03052; 1000 Genomes Project 0.03355; 1000 Genomes Project 30x 0.03638.
gnomAD v4.1: 7,313 of 1,613,956 alleles (0.45%); highest among the groups gnomAD compares: African/African-American, 8.7%; 291 homozygotes.

Submissions (3):

GeneDx
Classification: Benign. Last evaluated: 2021-06-10. Review status: criteria provided, single submitter. Criteria: GeneDx Variant Classification Process June 2021. Collection method: clinical testing. Allele origin: germline. Affected: yes.

Genome Diagnostics Laboratory, The Hospital for Sick Children
Classification: Benign for Disorder of bone. Last evaluated: 2021-01-04. Review status: criteria provided, single submitter. Criteria: ACMG Guidelines, 2015. Collection method: clinical testing. Allele origin: germline. Affected: yes.
Comment: This synonymous variant is classified as Benign (ACMG criteria - BA1)

Breakthrough Genomics
Classification: Benign. Review status: criteria provided, single submitter. Criteria: ACMG Guidelines, 2015. Collection method: not provided. Allele origin: germline. Inheritance: Autosomal recessive inheritance. Affected: yes.

NM_014798.3(PLEKHM1):c.2913G>A (p.Gly971=)

Gene: PLEKHM1 (pleckstrin homology and RUN domain containing M1; minus strand). Cytogenetic location: 17q21.31.
Variant type: single nucleotide variant.
Coding change: c.2913G>A on transcript NM_014798.3 (MANE Select); coding-DNA position 2913, G replaced by A.
Protein change: p.Gly971=; no amino-acid change (glycine 971 retained).
Molecular consequence: synonymous variant. On other transcripts: non-coding transcript variant (2).
Genome position (GRCh38, 1-based): chr17:45,439,623, C>T on the plus strand (G>A on the coding strand, the complement: PLEKHM1 is on the minus strand). VCF-style: chr17-45439623-C-T. GRCh37 (hg19) VCF-style: chr17-43516989-C-T.
Identifiers: ClinVar variation 1291719 (VCV001291719.7), dbSNP rs73984399, ClinGen allele CA8615462.